The following is an entry in ClinVar:

NM_002474.3(MYH11):c.1989G>A (p.Lys663=)

Gene: MYH11 (myosin heavy chain 11; minus strand). Cytogenetic location: 16p13.11.
Variant type: single nucleotide variant.
Coding change: c.1989G>A on transcript NM_002474.3 (MANE Select); coding-DNA position 1989, G replaced by A.
Protein change: p.Lys663=; no amino-acid change (lysine 663 retained).
Molecular consequence: synonymous variant.
Genome position (GRCh38, 1-based): chr16:15,750,207, C>T on the plus strand (G>A on the coding strand, the complement: MYH11 is on the minus strand). VCF-style: chr16-15750207-C-T. GRCh37 (hg19) VCF-style: chr16-15844064-C-T.
Other names: c.2010G>A, p.Lys670= (NM_001040113.2, NM_001040114.2); c.1989G>A, p.Lys663= (NM_022844.3).
Identifiers: ClinVar variation 413420 (VCV000413420.20), dbSNP rs138581000, ClinGen allele CA7922459.
Genomic context (GRCh38, chr16:15,750,207, plus strand): 5'-GTGGTTGGGGATGATGCAGCGCACGAAGTTGGGCGTGGTGTTGCGTAGCGTGGTCATCAG[C>T]TTGCCCAGCTGCTCCTTGTACAGCTGCCCCACTGTGCGGAACATGCCCTTCTTGGTCTTG-3'
Protein context (NP_002465.1, residues 653-673): VGQLYKEQLG[Lys663=]LMTTLRNTTP

ClinVar aggregate classification (germline): Benign/Likely benign. Review status: criteria provided, multiple submitters, no conflicts (2 of 4 stars). 7 submissions from 7 submitters: Benign (3); Likely benign (4). Last evaluated 2025-11-05.

Conditions:
Familial thoracic aortic aneurysm and aortic dissection (TAAD). Also called: Thoracic aortic aneurysms and dissections. Identifiers: Orphanet 91387, MedGen C4707243, MONDO:0019625.
Aortic aneurysm, familial thoracic 4 (AAT4). Also called: AORTIC ANEURYSM/AORTIC DISSECTION AND PATENT DUCTUS ARTERIOSUS. Identifiers: MedGen C1851504, MONDO:0007568, OMIM 132900.

Allele frequency attached by ClinVar (database versions not stated): gnomAD exomes 0.00003 and 0.00011; ExAC 0.00009; TOPMed 0.00032; gnomAD 0.00033; ESP Exome Variant Server 0.00038; 1000 Genomes Project 0.00060; 1000 Genomes Project 30x 0.00062.
gnomAD v4.1: 90 of 1,614,262 alleles (0.0056%); highest among the groups gnomAD compares: African/African-American, 0.11%; no homozygotes.

Submissions (7):

Labcorp Genetics (formerly Invitae), Labcorp
Classification: Likely benign for Aortic aneurysm, familial thoracic 4. Last evaluated: 2025-11-05. Review status: criteria provided, single submitter. Criteria: Invitae Variant Classification Sherloc (09022015). Collection method: clinical testing. Allele origin: germline.

All of Us Research Program, National Institutes of Health
Classification: Benign for Familial thoracic aortic aneurysm and aortic dissection. Last evaluated: 2024-02-05. Review status: criteria provided, single submitter. Criteria: ACMG Guidelines, 2015. Collection method: clinical testing. Allele origin: germline. Inheritance: Autosomal dominant inheritance. Observed: 12 variant alleles, 12 heterozygotes.
Comment: This study involves interpretation of variants in research participants for the purpose of population health screening. Participant phenotype was not available at the time of variant classification. Additional details can be found in publication PMID: 35346344, PMCID: PMC8962531

Blueprint Genetics
Classification: Likely benign. Last evaluated: 2023-10-10. Review status: criteria provided, single submitter. Criteria: ACMG Guidelines, 2015. Collection method: clinical testing. Allele origin: germline.

Women's Health and Genetics/Laboratory Corporation of America, LabCorp
Classification: Benign. Last evaluated: 2023-07-21. Review status: criteria provided, single submitter. Criteria: LabCorp Variant Classification Summary - May 2015. Collection method: clinical testing. Allele origin: germline.

Color Diagnostics, LLC DBA Color Health
Classification: Benign for Familial thoracic aortic aneurysm and aortic dissection. Last evaluated: 2019-01-20. Review status: criteria provided, single submitter. Criteria: ACMG Guidelines, 2015. Collection method: clinical testing. Allele origin: germline.

GeneDx
Classification: Likely benign. Last evaluated: 2017-12-05. Review status: criteria provided, single submitter. Criteria: GeneDx Variant Classification (06012015). Collection method: clinical testing. Allele origin: germline. Affected: yes.
Comment: This variant is considered likely benign or benign based on one or more of the following criteria: it is a conservative change, it occurs at a poorly conserved position in the protein, it is predicted to be benign by multiple in silico algorithms, and/or has population frequency not consistent with disease.

Ambry Genetics
Classification: Likely benign for Familial thoracic aortic aneurysm and aortic dissection. Last evaluated: 2017-05-25. Review status: criteria provided, single submitter. Criteria: Ambry Variant Classification Scheme 2023. Collection method: clinical testing. Allele origin: germline.